The following is an entry in ClinVar:

ClinVar aggregate classification (germline): Likely benign. Review status: criteria provided, multiple submitters, no conflicts (2 of 4 stars). 3 submissions from 3 submitters: Likely benign (2). 1 of the submissions does not count toward it. Last evaluated 2023-12-13.

Conditions:
FGFR3-related disorder. Also called: FGFR3-related disorders.

Allele frequency attached by ClinVar (database versions not stated): TOPMed 0.00002; gnomAD exomes 0.00004; ExAC 0.00005; gnomAD 0.00010; ESP Exome Variant Server 0.00015.
gnomAD v4.1: 34 of 1,612,138 alleles (0.0021%); highest among the groups gnomAD compares: Middle Eastern, 0.017%; no homozygotes.

Submissions (3):

Labcorp Genetics (formerly Invitae), Labcorp
Classification: Likely benign. Last evaluated: 2023-12-13. Review status: criteria provided, single submitter. Criteria: Invitae Variant Classification Sherloc (09022015). Collection method: clinical testing. Allele origin: germline.

Blueprint Genetics
Classification: Likely benign. Last evaluated: 2023-08-24. Review status: criteria provided, single submitter. Criteria: ACMG Guidelines, 2015. Collection method: clinical testing. Allele origin: germline.

PreventionGenetics, part of Exact Sciences
Classification: Likely benign for FGFR3-related condition. Last evaluated: 2022-05-06. Review status: no assertion criteria provided. Collection method: clinical testing. Allele origin: germline. Not counted in ClinVar's aggregate classification.
Comment: This variant is classified as likely benign based on ACMG/AMP sequence variant interpretation guidelines (Richards et al. 2015 PMID: 25741868, with internal and published modifications).

NM_000142.5(FGFR3):c.1476C>T (p.Ile492=)

Gene: FGFR3 (fibroblast growth factor receptor 3; plus strand). Cytogenetic location: 4p16.3.
Variant type: single nucleotide variant.
Coding change: c.1476C>T on transcript NM_000142.5 (MANE Select); coding-DNA position 1476, C replaced by T.
Protein change: p.Ile492=; no amino-acid change (isoleucine 492 retained).
Molecular consequence: synonymous variant. On other transcripts: non-coding transcript variant (1).
Genome position (GRCh38, 1-based): chr4:1,805,418, C>T. VCF-style: chr4-1805418-C-T. GRCh37 (hg19) VCF-style: chr4-1807145-C-T.
Other names: c.1482C>T, p.Ile494= (NM_001163213.2); c.1479C>T, p.Ile493= (NM_001354809.2, NM_001354810.2); c.1140C>T, p.Ile380= (NM_022965.4).
Identifiers: ClinVar variation 767576 (VCV000767576.10), dbSNP rs373254179, ClinGen allele CA2810409.